The following is an entry in ClinVar:

NM_001378120.1(MBD5):c.1891C>G (p.Leu631Val)

Gene: MBD5 (methyl-CpG binding domain protein 5; plus strand). Cytogenetic location: 2q23.1.
Variant type: single nucleotide variant.
Coding change: c.1891C>G on transcript NM_001378120.1 (MANE Select); coding-DNA position 1891, C replaced by G.
Protein change: p.Leu631Val; replaces leucine 631 with valine.
Molecular consequence: missense variant.
Genome position (GRCh38, 1-based): chr2:148,469,834, C>G. VCF-style: chr2-148469834-C-G. GRCh37 (hg19) VCF-style: chr2-149227403-C-G.
Other names: c.1891C>G, p.Leu631Val (NM_018328.5); short protein forms L631V.
Identifiers: ClinVar variation 3603625 (VCV003603625.2).

ClinVar aggregate classification (germline): Uncertain significance (1 of 4 stars; one submission).

Conditions:
Intellectual developmental disorder, autosomal dominant 1. Also called: MBD5 Haploinsufficiency; Intellectual disability, autosomal dominant 1. Identifiers: Orphanet 228402, MedGen C1969562, MONDO:0007974, OMIM 156200.

gnomAD v4.1: 30 of 1,613,942 alleles (0.0019%); highest among the groups gnomAD compares: Non-Finnish European, 0.0025%; no homozygotes.

Submission:

Labcorp Genetics (formerly Invitae), Labcorp
Classification: Uncertain significance for Intellectual developmental disorder, autosomal dominant 1. Last evaluated: 2024-07-17. Review status: criteria provided, single submitter. Criteria: Invitae Variant Classification Sherloc (09022015). Collection method: clinical testing. Allele origin: germline.
Comment: This sequence change replaces leucine, which is neutral and non-polar, with valine, which is neutral and non-polar, at codon 631 of the MBD5 protein (p.Leu631Val). This variant is not present in population databases (gnomAD no frequency). This variant has not been reported in the literature in individuals affected with MBD5-related conditions. Advanced modeling of protein sequence and biophysical properties (such as structural, functional, and spatial information, amino acid conservation, physicochemical variation, residue mobility, and thermodynamic stability) performed at Invitae indicates that this missense variant is not expected to disrupt MBD5 protein function with a negative predictive value of 80%. In summary, the available evidence is currently insufficient to determine the role of this variant in disease. Therefore, it has been classified as a Variant of Uncertain Significance.